The following is an entry in ClinVar:

ClinVar aggregate classification (germline): Conflicting classifications of pathogenicity. Review status: criteria provided, conflicting classifications (1 of 4 stars). 2 submissions from 2 submitters: Uncertain significance (1); Likely benign (1). Last evaluated 2026-01-02.

Conditions:
Immunodeficiency 132A. Also called: Herpes simplex encephalitis, susceptibility to, 3. Identifiers: Orphanet 1930, MedGen C3553868, MONDO:0013920, OMIM 614849.

Allele frequency attached by ClinVar (database versions not stated): TOPMed 0.00020; ExAC 0.00036; gnomAD exomes 0.00038 and 0.00034; ESP Exome Variant Server 0.00015; gnomAD 0.00022 and 0.00023.

Submissions (2):

Labcorp Genetics (formerly Invitae), Labcorp
Classification: Uncertain significance for Immunodeficiency 132A. Last evaluated: 2026-01-02. Review status: criteria provided, single submitter. Criteria: Invitae Variant Classification Sherloc (09022015). Collection method: clinical testing. Allele origin: germline.
Comment: This sequence change replaces alanine, which is neutral and non-polar, with threonine, which is neutral and polar, at codon 12 of the TRAF3 protein (p.Ala12Thr). This variant is present in population databases (rs139127242, gnomAD 0.06%), and has an allele count higher than expected for a pathogenic variant. This variant has not been reported in the literature in individuals affected with TRAF3-related conditions. ClinVar contains an entry for this variant (Variation ID: 852804). An algorithm developed to predict the effect of missense changes on protein structure and function outputs the following: PolyPhen-2: "Benign". The threonine amino acid residue is found in multiple mammalian species, which suggests that this missense change does not adversely affect protein function. In summary, the available evidence is currently insufficient to determine the role of this variant in disease. Therefore, it has been classified as a Variant of Uncertain Significance.

Ambry Genetics
Classification: Likely benign. Last evaluated: 2022-09-22. Review status: criteria provided, single submitter. Criteria: Ambry Variant Classification Scheme 2023. Collection method: clinical testing. Allele origin: germline.

NM_145725.3(TRAF3):c.34G>A (p.Ala12Thr)

Gene: TRAF3 (TNF receptor associated factor 3; plus strand). Cytogenetic location: 14q32.32.
Variant type: single nucleotide variant.
Coding change: c.34G>A on transcript NM_145725.3 (MANE Select); coding-DNA position 34, G replaced by A.
Protein change: p.Ala12Thr; replaces alanine 12 with threonine.
Molecular consequence: missense variant.
Genome position (GRCh38, 1-based): chr14:102,870,235, G>A. VCF-style: chr14-102870235-G-A. GRCh37 (hg19) VCF-style: chr14-103336572-G-A.
Other names: c.34G>A, p.Ala12Thr (NM_001199427.2, NM_001385142.1, NM_001385143.1 and 2 more transcripts); short protein forms A12T.
Identifiers: ClinVar variation 852804 (VCV000852804.9), dbSNP rs139127242, ClinGen allele CA7359140.
Genomic context (GRCh38, chr14:102,870,235, plus strand): 5'-TTCCCGACAGAACTCCTCTTTCCTAAAATGGAGTCGAGTAAAAAGATGGACTCTCCTGGC[G>A]CGCTGCAGACTAACCCGCCGCTAAAGCTGCACACTGACCGCAGTGCTGGGACGCCAGTTT-3'
Protein context (NP_663777.1, residues 2-22): ESSKKMDSPG[Ala12Thr]LQTNPPLKLH